The following is an entry in ClinVar:

NM_001358530.2(MOCS1):c.1170del (p.Asn391fs)

Gene: MOCS1 (molybdenum cofactor synthesis 1; minus strand). Cytogenetic location: 6p21.2.
Variant type: Deletion.
Coding change: c.1170del on transcript NM_001358530.2 (MANE Select); coding-DNA position 1170, one base deleted (C; older notation c.1170delC).
Protein change: p.Asn391fs; shifts the reading frame from asparagine 391.
Molecular consequence: frameshift variant. On other transcripts: 3 prime UTR variant (4), non-coding transcript variant (1).
Genome position (GRCh38, 1-based): chr6:39,907,098, G deleted on the plus strand (C on the coding strand, the reverse complement: MOCS1 is on the minus strand); the first of 4 consecutive G bases (chr6:39,907,098-39,907,101); deleting any one gives the same sequence. VCF-style (leftmost placement, unchanged base first): chr6-39907097-TG-T. GRCh37 (hg19) VCF-style: chr6-39874873-TG-T.
Other names: c.*27del (NM_001075098.4, NM_001358533.2, NM_001358534.2 and 1 more transcripts); c.1122del, p.Asn375fs (NM_001358529.2); c.909del, p.Asn304fs (NM_001358531.2); short protein forms N375fs, N304fs, N391fs.
Identifiers: ClinVar variation 2852960 (VCV002852960.3), dbSNP rs758765095, ClinGen allele CA3795996.

ClinVar aggregate classification (germline): Pathogenic (1 of 4 stars; one submission).

Conditions:
Sulfite oxidase deficiency due to molybdenum cofactor deficiency type A. Also called: Molybdenum cofactor deficiency, complementation group A; Molybdenum Cofactor Deficiency A. Identifiers: Orphanet 308386, Orphanet 833, MedGen C1854988, MONDO:0009643, OMIM 252150.

Submission:

Labcorp Genetics (formerly Invitae), Labcorp
Classification: Pathogenic for Sulfite oxidase deficiency due to molybdenum cofactor deficiency type A. Last evaluated: 2023-04-06. Review status: criteria provided, single submitter. Criteria: Invitae Variant Classification Sherloc (09022015). Collection method: clinical testing. Allele origin: germline.
Comment: For these reasons, this variant has been classified as Pathogenic. This variant disrupts a region of the MOCS1 protein in which other variant(s) (p.Glu503Alafs*103) have been determined to be pathogenic (PMID: 9731530, 9921896). This suggests that this is a clinically significant region of the protein, and that variants that disrupt it are likely to be disease-causing. This variant has not been reported in the literature in individuals affected with MOCS1-related conditions. This variant is present in population databases (rs758765095, gnomAD 0.007%). This sequence change creates a premature translational stop signal (p.Asn391Ilefs*20) in the MOCS1 gene. While this is not anticipated to result in nonsense mediated decay, it is expected to disrupt the last 246 amino acid(s) of the MOCS1 protein.

Literature cited by the submitters: PubMed 9731530; PubMed 9921896.